The following is an entry in ClinVar:

ClinVar aggregate classification (germline): Likely benign (1 of 4 stars; one submission).

Allele frequency attached by ClinVar (database versions not stated): ESP Exome Variant Server 0.00008; TOPMed 0.00034; 1000 Genomes Project 30x 0.00062; 1000 Genomes Project 0.00080; gnomAD 0.00200.
gnomAD v4.1: 2,201 of 1,613,482 alleles (0.14%); highest among the groups gnomAD compares: Non-Finnish European, 0.065%; 20 homozygotes.

Submission:

CeGaT Center for Human Genetics Tuebingen
Classification: Likely benign. Last evaluated: 2022-04-01. Review status: criteria provided, single submitter. Criteria: CeGaT Center For Human Genetics Tuebingen Variant Classification Criteria Version 2. Collection method: clinical testing. Allele origin: germline. Affected: yes. Observed: 1 variant allele.
Comment: MROH9: BP4, BP7

NM_001163629.2(MROH9):c.864C>T (p.Ala288=)

Gene: MROH9 (maestro heat like repeat family member 9; plus strand). Cytogenetic location: 1q24.3.
Variant type: single nucleotide variant.
Coding change: c.864C>T on transcript NM_001163629.2 (MANE Select); coding-DNA position 864, C replaced by T.
Protein change: p.Ala288=; no amino-acid change (alanine 288 retained).
Molecular consequence: synonymous variant.
Genome position (GRCh38, 1-based): chr1:170,986,695, C>T. VCF-style: chr1-170986695-C-T. GRCh37 (hg19) VCF-style: chr1-170955836-C-T.
Other names: c.864C>T, p.Ala288= (NM_025063.4).
Identifiers: ClinVar variation 2639547 (VCV002639547.24), dbSNP rs186747714, ClinGen allele CA1240015.